The following is an entry in ClinVar:

ClinVar aggregate classification (germline): Pathogenic (1 of 4 stars; one submission).

Conditions:
Hereditary breast ovarian cancer syndrome. Also called: Hereditary breast and ovarian cancer syndrome (HBOC); Hereditary breast and ovarian cancer; BRCA1- and BRCA2-Associated Hereditary Breast and Ovarian Cancer; Hereditary breast and ovarian cancer syndrome; Hereditary breast and/or ovarian cancer syndrome; Breast and ovarian cancer. Identifiers: Orphanet 145, MedGen C0677776, MeSH D061325, MONDO:0003582. Disease mechanism: loss of function.

Submission:

Labcorp Genetics (formerly Invitae), Labcorp
Classification: Pathogenic for Hereditary breast ovarian cancer syndrome. Last evaluated: 2024-05-31. Review status: criteria provided, single submitter. Criteria: Invitae Variant Classification Sherloc (09022015). Collection method: clinical testing. Allele origin: germline.
Comment: This sequence change creates a premature translational stop signal (p.Lys817*) in the BRCA2 gene. It is expected to result in an absent or disrupted protein product. Loss-of-function variants in BRCA2 are known to be pathogenic (PMID: 20104584). This variant is not present in population databases (gnomAD no frequency). This variant has not been reported in the literature in individuals affected with BRCA2-related conditions. For these reasons, this variant has been classified as Pathogenic.

Literature cited by the submitters: PubMed 20104584.

NM_000059.4(BRCA2):c.2449A>T (p.Lys817Ter)

Gene: BRCA2 (BRCA2 DNA repair associated; plus strand). Cytogenetic location: 13q13.1.
Variant type: single nucleotide variant.
Coding change: c.2449A>T on transcript NM_000059.4 (MANE Select); coding-DNA position 2449, A replaced by T.
Protein change: p.Lys817Ter; replaces lysine 817 with a stop codon.
Molecular consequence: nonsense. On other transcripts: non-coding transcript variant (1), intron variant (2).
Genome position (GRCh38, 1-based): chr13:32,336,804, A>T. VCF-style: chr13-32336804-A-T. GRCh37 (hg19) VCF-style: chr13-32910941-A-T.
Other names: c.2449A>T, p.Lys817Ter (NM_001406719.1, NM_001406720.1, NM_001432077.1); c.1909+3417A>T (NM_001406721.1); c.424+5774A>T (NM_001406722.1); short protein forms K817*.
Identifiers: ClinVar variation 3649129 (VCV003649129.2).
Genomic context (GRCh38, chr13:32,336,804, plus strand): 5'-AAGCTCAAAGGTAACAATTATGAATCTGATGTTGAATTAACCAAAAATATTCCCATGGAA[A>T]AGAATCAAGATGTATGTGCTTTAAATGAAAATTATAAAAACGTTGAGCTGTTGCCACCTG-3'